The following is an entry in ClinVar:

NM_000256.3(MYBPC3):c.437C>A (p.Thr146Asn)

Gene: MYBPC3 (myosin binding protein C3; minus strand). Cytogenetic location: 11p11.2.
Variant type: single nucleotide variant.
Coding change: c.437C>A on transcript NM_000256.3 (MANE Select); coding-DNA position 437, C replaced by A.
Protein change: p.Thr146Asn; replaces threonine 146 with asparagine.
Molecular consequence: missense variant.
Genome position (GRCh38, 1-based): chr11:47,350,082, G>T on the plus strand (C>A on the coding strand, the complement: MYBPC3 is on the minus strand). VCF-style: chr11-47350082-G-T. GRCh37 (hg19) VCF-style: chr11-47371633-G-T.
Other names: c.437C>A, p.Thr146Asn (LRG_386t1); short protein forms T146N.
Identifiers: ClinVar variation 569042 (VCV000569042.9), dbSNP rs780458215, ClinGen allele CA380338867.

ClinVar aggregate classification (germline): Uncertain significance. Review status: criteria provided, multiple submitters, no conflicts (2 of 4 stars). 3 submissions from 3 submitters: Uncertain significance (3). Last evaluated 2024-03-07.

Conditions:
Cardiomyopathy (CMYO). Also called: Cardiomyopathies. Identifiers: Orphanet 167848, MedGen C0878544, MONDO:0004994, HP:0001638. Inheritance: Various modes of inheritance.
Hypertrophic cardiomyopathy. Also called: HYPERTROPHIC MYOCARDIOPATHY. Identifiers: Orphanet 217569, MedGen C0007194, MeSH D002312, MONDO:0005045, HP:0001639.

gnomAD v4.1: 3 of 1,560,426 alleles (0.00019%); highest among the groups gnomAD compares: Non-Finnish European, 0.00026%; no homozygotes.

Submissions (3):

Color Diagnostics, LLC DBA Color Health
Classification: Uncertain significance for Cardiomyopathy. Last evaluated: 2024-03-07. Review status: criteria provided, single submitter. Criteria: ACMG Guidelines, 2015. Collection method: clinical testing. Allele origin: germline.
Comment: This missense variant replaces threonine with asparagine at codon 146 of the MYBPC3 protein. Computational prediction suggests that this variant may not impact protein structure and function (internally defined REVEL score threshold <= 0.5, PMID: 27666373). To our knowledge, functional studies have not been reported for this variant. This variant has not been reported in individuals affected with cardiovascular disorders in the literature. This variant has not been identified in the general population by the Genome Aggregation Database (gnomAD). The available evidence is insufficient to determine the role of this variant in disease conclusively. Therefore, this variant is classified as a Variant of Uncertain Significance.

All of Us Research Program, National Institutes of Health
Classification: Uncertain significance for Hypertrophic cardiomyopathy. Last evaluated: 2023-10-30. Review status: criteria provided, single submitter. Criteria: ACMG Guidelines, 2015. Collection method: clinical testing. Allele origin: germline. Inheritance: Autosomal dominant inheritance. Observed: 1 variant allele, 1 heterozygote.
Comment: This missense variant replaces threonine with asparagine at codon 146 of the MYBPC3 protein. Computational prediction suggests that this variant may not impact protein structure and function (internally defined REVEL score threshold <= 0.5, PMID: 27666373). To our knowledge, functional studies have not been reported for this variant. This variant has not been reported in individuals affected with cardiovascular disorders in the literature. This variant has not been identified in the general population by the Genome Aggregation Database (gnomAD). The available evidence is insufficient to determine the role of this variant in disease conclusively. Therefore, this variant is classified as a Variant of Uncertain Significance.

This study involves interpretation of variants in research participants for the purpose of population health screening. Participant phenotype was not available at the time of variant classification. Additional details can be found in publication PMID: 35346344, PMCID: PMC8962531

Labcorp Genetics (formerly Invitae), Labcorp
Classification: Uncertain significance for Hypertrophic cardiomyopathy. Last evaluated: 2021-08-27. Review status: criteria provided, single submitter. Criteria: Invitae Variant Classification Sherloc (09022015). Collection method: clinical testing. Allele origin: germline.
Comment: This sequence change replaces threonine with asparagine at codon 146 of the MYBPC3 protein (p.Thr146Asn). The threonine residue is weakly conserved and there is a small physicochemical difference between threonine and asparagine. This variant is not present in population databases (ExAC no frequency). This variant has not been reported in the literature in individuals affected with MYBPC3-related conditions. Algorithms developed to predict the effect of missense changes on protein structure and function (SIFT, PolyPhen-2, Align-GVGD) all suggest that this variant is likely to be tolerated. In summary, the available evidence is currently insufficient to determine the role of this variant in disease. Therefore, it has been classified as a Variant of Uncertain Significance.